The following is an entry in ClinVar:

NM_001211.6(BUB1B):c.1313_1317del (p.Lys438fs)

Gene: BUB1B (BUB1 mitotic checkpoint serine/threonine kinase B; plus strand). Cytogenetic location: 15q15.1.
Variant type: Microsatellite.
Coding change: c.1313_1317del on transcript NM_001211.6 (MANE Select); coding-DNA positions 1313 to 1317, 5 bases deleted (AGAGA; older notation c.1313_1317delAGAGA).
Protein change: p.Lys438fs; shifts the reading frame from lysine 438.
Molecular consequence: frameshift variant.
Genome position (GRCh38, 1-based): chr15:40,199,639-40,199,643, AGAGA deleted; deleting any 5 consecutive bases within chr15:40,199,634-40,199,643 gives the same sequence; the c. name uses the placement nearest the transcript's 3' end. VCF-style (leftmost placement, unchanged base first): chr15-40199633-CAGAGA-C. GRCh37 (hg19) VCF-style: chr15-40491834-CAGAGA-C.
Other names: short protein forms K438fs.
Identifiers: ClinVar variation 2729407 (VCV002729407.3), dbSNP rs2542554796, ClinGen allele CA2697554346.

ClinVar aggregate classification (germline): Pathogenic (1 of 4 stars; one submission).

Conditions:
Mosaic variegated aneuploidy syndrome 1 (MVA1). Also called: Warburton-Anyane-Yeboa syndrome. Identifiers: Orphanet 1052, MedGen C1850343, MONDO:0009759, OMIM 257300.

Submission:

Labcorp Genetics (formerly Invitae), Labcorp
Classification: Pathogenic for Mosaic variegated aneuploidy syndrome 1. Last evaluated: 2025-03-17. Review status: criteria provided, single submitter. Criteria: Invitae Variant Classification Sherloc (09022015). Collection method: clinical testing. Allele origin: germline.
Comment: This sequence change creates a premature translational stop signal (p.Lys438Serfs*8) in the BUB1B gene. It is expected to result in an absent or disrupted protein product. Loss-of-function variants in BUB1B are known to be pathogenic (PMID: 15475955, 21190457). This variant is not present in population databases (gnomAD no frequency). This variant has not been reported in the literature in individuals affected with BUB1B-related conditions. For these reasons, this variant has been classified as Pathogenic.

Literature cited by the submitters: PubMed 15475955; PubMed 21190457.